The following is an entry in ClinVar:

NM_007175.8(ERLIN2):c.992C>T (p.Pro331Leu)

Gene: ERLIN2 (ER lipid raft associated 2; plus strand). Cytogenetic location: 8p11.23.
Variant type: single nucleotide variant.
Coding change: c.992C>T on transcript NM_007175.8 (MANE Select); coding-DNA position 992, C replaced by T.
Protein change: p.Pro331Leu; replaces proline 331 with leucine.
Molecular consequence: missense variant.
Genome position (GRCh38, 1-based): chr8:37,754,087, C>T. VCF-style: chr8-37754087-C-T. GRCh37 (hg19) VCF-style: chr8-37611605-C-T.
Other names: c.992C>T, p.Pro331Leu (NM_001362878.2); c.992C>T (NM_007175.6); short protein forms P331L.
Identifiers: ClinVar variation 2721810 (VCV002721810.4), dbSNP rs771074780, ClinGen allele CA4711056.

ClinVar aggregate classification (germline): Uncertain significance. Review status: criteria provided, multiple submitters, no conflicts (2 of 4 stars). 2 submissions from 2 submitters: Uncertain significance (2). Last evaluated 2025-04-04.

Conditions:
Inborn genetic diseases. Identifiers: MedGen C0950123, MeSH D030342.
Spastic paraplegia. Identifiers: MedGen C0037772, HP:0001258.

Allele frequency attached by ClinVar (database versions not stated): gnomAD exomes below 0.00001; ExAC 0.00001; gnomAD 0.00001; TOPMed 0.00003.
gnomAD v4.1: 7 of 1,613,846 alleles (0.00043%); highest among the groups gnomAD compares: Admixed American, 0.0033%; no homozygotes.

Submissions (2):

Ambry Genetics
Classification: Uncertain significance for Inborn genetic diseases. Last evaluated: 2025-04-04. Review status: criteria provided, single submitter. Criteria: Ambry Variant Classification Scheme 2023. Collection method: clinical testing. Allele origin: germline.

Labcorp Genetics (formerly Invitae), Labcorp
Classification: Uncertain significance for Spastic paraplegia. Last evaluated: 2023-11-13. Review status: criteria provided, single submitter. Criteria: Invitae Variant Classification Sherloc (09022015). Collection method: clinical testing. Allele origin: germline.
Comment: This sequence change replaces proline, which is neutral and non-polar, with leucine, which is neutral and non-polar, at codon 331 of the ERLIN2 protein (p.Pro331Leu). This variant is present in population databases (rs771074780, gnomAD 0.003%). This variant has not been reported in the literature in individuals affected with ERLIN2-related conditions. An algorithm developed to predict the effect of missense changes on protein structure and function (PolyPhen-2) suggests that this variant is likely to be disruptive. In summary, the available evidence is currently insufficient to determine the role of this variant in disease. Therefore, it has been classified as a Variant of Uncertain Significance.